The following is an entry in ClinVar:

ClinVar aggregate classification (germline): Pathogenic (1 of 4 stars; one submission).

Conditions:
Hereditary cancer-predisposing syndrome. Also called: Hereditary Cancer Syndrome; Neoplastic Syndromes, Hereditary; Tumor predisposition; Hereditary neoplastic syndrome. Identifiers: Orphanet 140162, MedGen C0027672, MeSH D009386, MONDO:0015356.

Submission:

Ambry Genetics
Classification: Pathogenic for Hereditary cancer-predisposing syndrome. Last evaluated: 2026-09-03. Review status: criteria provided, single submitter. Criteria: Ambry Variant Classification Scheme 2023. Collection method: clinical testing. Allele origin: germline.
Comment: The c.172delCinsATCAT pathogenic mutation, located in coding exon 2 of the CDKN2A gene, results from the deletion of one nucleotide and insertion of 5 nucleotides causing a translational frameshift with a predicted alternate stop codon (p.R58Ifs*63). Of note, this variant is also known as c.215delinsATCAT (p.P72HfsTer90)in the p14(ARF) isoform. This variant is considered to be rare based on population cohorts in the Genome Aggregation Database (gnomAD). This alteration is expected to result in loss of function by premature protein truncation or nonsense-mediated mRNA decay. As such, this alteration is interpreted as a disease-causing mutation.

NM_000077.5(CDKN2A):c.172delinsATCAT (p.Arg58fs)

Gene: CDKN2A (cyclin dependent kinase inhibitor 2A; minus strand). Cytogenetic location: 9p21.3.
Variant type: Indel.
Coding change: c.172delinsATCAT on transcript NM_000077.5; coding-DNA position 172, C replaced by ATCAT.
Protein change: p.Arg58fs; shifts the reading frame from arginine 58.
Molecular consequence: frameshift variant (on NM_000077.6). On other transcripts: 3 prime UTR variant (1).
Genome position (GRCh38, 1-based): chr9:21,971,187, G replaced by ATGAT on the plus strand (C replaced by ATCAT on the coding strand, the reverse complement: CDKN2A is on the minus strand). VCF-style: chr9-21971187-G-ATGAT. GRCh37 (hg19) VCF-style: chr9-21971186-G-ATGAT.
Other names: c.172delCinsATCAT, p.Arg58Ilefs (NM_000077.6); c.172delinsATCAT, p.Arg58fs (NM_001195132.2); c.19delinsATCAT, p.Arg7fs (NM_001363763.2); c.215delinsATCAT, p.Pro72fs (NM_058195.4); c.*95delinsATCAT (NM_058197.5); short protein forms R58fs, P72fs, R7fs.
Identifiers: ClinVar variation 5034249 (VCV005034249.1).